The following is an entry in ClinVar:

NM_000089.4(COL1A2):c.1399C>T (p.Pro467Ser)

Gene: COL1A2 (collagen type I alpha 2 chain; plus strand). Cytogenetic location: 7q21.3.
Variant type: single nucleotide variant.
Coding change: c.1399C>T on transcript NM_000089.4 (MANE Select); coding-DNA position 1399, C replaced by T.
Protein change: p.Pro467Ser; replaces proline 467 with serine.
Molecular consequence: missense variant.
Genome position (GRCh38, 1-based): chr7:94,412,116, C>T. VCF-style: chr7-94412116-C-T. GRCh37 (hg19) VCF-style: chr7-94041428-C-T.
Other names: short protein forms P467S.
Identifiers: ClinVar variation 1995588 (VCV001995588.4), dbSNP rs2484712632, ClinGen allele CA368221776.

ClinVar aggregate classification (germline): Uncertain significance (1 of 4 stars; one submission).

Conditions:
Ehlers-Danlos syndrome, classic type, 1 (EDSCL1). Also called: EHLERS-DANLOS SYNDROME, GRAVIS TYPE; EHLERS-DANLOS SYNDROME, SEVERE CLASSIC TYPE; Ehlers-Danlos syndrome, type 1; EDS I; Ehlers-Danlos Syndrome, Classic Type, COL5A1-Related. Identifiers: MedGen C0268335, MONDO:0019567, OMIM 130000.
Osteogenesis imperfecta type I (OI1). Also called: OI, TYPE I; OSTEOGENESIS IMPERFECTA TARDA; OSTEOGENESIS IMPERFECTA WITH BLUE SCLERAE; Osteogenesis imperfecta type 1; Lobstein's Disease; Lobstein disease. Identifiers: Orphanet 216796, Orphanet 666, MedGen C0023931, MONDO:0008146, OMIM 166200. Disease mechanism: loss of function.

Submission:

Labcorp Genetics (formerly Invitae), Labcorp
Classification: Uncertain significance for Osteogenesis imperfecta type I; Ehlers-Danlos syndrome, classic type, 1. Last evaluated: 2022-09-15. Review status: criteria provided, single submitter. Criteria: Invitae Variant Classification Sherloc (09022015). Collection method: clinical testing. Allele origin: germline.
Comment: Advanced modeling of protein sequence and biophysical properties (such as structural, functional, and spatial information, amino acid conservation, physicochemical variation, residue mobility, and thermodynamic stability) performed at Invitae indicates that this missense variant is not expected to disrupt COL1A2 protein function. In summary, the available evidence is currently insufficient to determine the role of this variant in disease. Therefore, it has been classified as a Variant of Uncertain Significance. This variant has not been reported in the literature in individuals affected with COL1A2-related conditions. This variant is not present in population databases (gnomAD no frequency). This sequence change replaces proline, which is neutral and non-polar, with serine, which is neutral and polar, at codon 467 of the COL1A2 protein (p.Pro467Ser).